The following is an entry in ClinVar:

NM_001211.6(BUB1B):c.2275A>G (p.Ile759Val)

Gene: BUB1B (BUB1 mitotic checkpoint serine/threonine kinase B; plus strand). Cytogenetic location: 15q15.1.
Variant type: single nucleotide variant.
Coding change: c.2275A>G on transcript NM_001211.6 (MANE Select); coding-DNA position 2275, A replaced by G.
Protein change: p.Ile759Val; replaces isoleucine 759 with valine.
Molecular consequence: missense variant.
Genome position (GRCh38, 1-based): chr15:40,209,766, A>G. VCF-style: chr15-40209766-A-G. GRCh37 (hg19) VCF-style: chr15-40501967-A-G.
Other names: short protein forms I759V.
Identifiers: ClinVar variation 2497650 (VCV002497650.6), dbSNP rs1216652807, ClinGen allele CA391694652.

ClinVar aggregate classification (germline): Uncertain significance. Review status: criteria provided, multiple submitters, no conflicts (2 of 4 stars). 2 submissions from 2 submitters: Uncertain significance (2). Last evaluated 2025-05-25.

Conditions:
Inborn genetic diseases. Identifiers: MedGen C0950123, MeSH D030342.
Mosaic variegated aneuploidy syndrome 1 (MVA1). Also called: Warburton-Anyane-Yeboa syndrome. Identifiers: Orphanet 1052, MedGen C1850343, MONDO:0009759, OMIM 257300.

Allele frequency attached by ClinVar (database versions not stated): gnomAD exomes below 0.00001; TOPMed below 0.00001.
gnomAD v4.1: 1 of 1,614,146 alleles (0.000062%); highest among the groups gnomAD compares: Admixed American, 0.0017%; no homozygotes.

Submissions (2):

Ambry Genetics
Classification: Uncertain significance for Inborn genetic diseases. Last evaluated: 2025-05-25. Review status: criteria provided, single submitter. Criteria: Ambry Variant Classification Scheme 2023. Collection method: clinical testing. Allele origin: germline.
Comment: The p.I759V variant (also known as c.2275A>G), located in coding exon 17 of the BUB1B gene, results from an A to G substitution at nucleotide position 2275. The isoleucine at codon 759 is replaced by valine, an amino acid with highly similar properties. This amino acid position is conserved. In addition, this alteration is predicted to be tolerated by in silico analysis. Since supporting evidence is limited at this time, the clinical significance of this alteration remains unclear.

Labcorp Genetics (formerly Invitae), Labcorp
Classification: Uncertain significance for Mosaic variegated aneuploidy syndrome 1. Last evaluated: 2023-07-14. Review status: criteria provided, single submitter. Criteria: Invitae Variant Classification Sherloc (09022015). Collection method: clinical testing. Allele origin: germline.
Comment: In summary, the available evidence is currently insufficient to determine the role of this variant in disease. Therefore, it has been classified as a Variant of Uncertain Significance. An algorithm developed to predict the effect of missense changes on protein structure and function (PolyPhen-2) suggests that this variant is likely to be tolerated. ClinVar contains an entry for this variant (Variation ID: 2497650). This variant has not been reported in the literature in individuals affected with BUB1B-related conditions. This variant is not present in population databases (gnomAD no frequency). This sequence change replaces isoleucine, which is neutral and non-polar, with valine, which is neutral and non-polar, at codon 759 of the BUB1B protein (p.Ile759Val).